The following is an entry in ClinVar:

ClinVar aggregate classification (germline): Uncertain significance. Review status: criteria provided, multiple submitters, no conflicts (2 of 4 stars). 6 submissions from 6 submitters: Uncertain significance (5). 1 of the submissions does not count toward it. Last evaluated 2024-11-10.

Conditions:
Malignant hyperthermia, susceptibility to, 1 (MHS1). Also called: Anesthesia related hyperthermia; Malignant hyperpyrexia; Fulminating hyperpyrexia; Pharmacogenic myopathy; Malignant hyperthermia suceptibility 1; RYR1-Related Malignant Hyperthermia Susceptibility. Identifiers: Orphanet 423, MedGen C2930980, MONDO:0007783, OMIM 145600.
Congenital myopathy with fiber type disproportion. Also called: Congenital fiber-type disproportion; Congenital fiber-type disproportion myopathy. Identifiers: Orphanet 2020, MedGen C0546264, MONDO:0009711. Inheritance: all.
Central core myopathy (CMYO1A). Also called: CONGENITAL MYOPATHY 1A, AUTOSOMAL DOMINANT, WITH SUSCEPTIBILITY TO MALIGNANT HYPERTHERMIA; Central core disease; Myopathy, central fibrillar. Identifiers: Orphanet 597, MedGen C5830701, MONDO:0007294, OMIM 117000.
Congenital multicore myopathy with external ophthalmoplegia (CMYO1B). Also called: Congenital myopathy 1B, autosomal recessive; Minicore myopathy; MULTICORE MYOPATHY; Minicore myopathy with external ophthalmoplegia; MULTIMINICORE DISEASE WITH EXTERNAL OPHTHALMOPLEGIA. Identifiers: Orphanet 598, Orphanet 98905, MedGen C1850674, MONDO:0009712, OMIM 255320, HP:0003789.
King Denborough syndrome (KDS). Identifiers: MedGen C1840365, MONDO:0020485, OMIM 619542.
RYR1-related disorder. Also called: RYR1-related disorders; RYR1-related condition. Identifiers: MedGen CN239331.

Allele frequency attached by ClinVar (database versions not stated): gnomAD 0.00001; gnomAD exomes 0.00001; ExAC 0.00002; TOPMed 0.00002; 1000 Genomes Project 30x 0.00016; 1000 Genomes Project 0.00020.
gnomAD v4.1: 12 of 1,613,966 alleles (0.00074%); highest among the groups gnomAD compares: East Asian, 0.0022%; no homozygotes.

Submissions (6):

Labcorp Genetics (formerly Invitae), Labcorp
Classification: Uncertain significance for RYR1-related disorder. Last evaluated: 2024-11-10. Review status: criteria provided, single submitter. Criteria: Invitae Variant Classification Sherloc (09022015). Collection method: clinical testing. Allele origin: germline.
Comment: This sequence change replaces threonine, which is neutral and polar, with methionine, which is neutral and non-polar, at codon 656 of the RYR1 protein (p.Thr656Met). This variant is present in population databases (rs4802472, gnomAD 0.006%). This variant has not been reported in the literature in individuals affected with RYR1-related conditions. ClinVar contains an entry for this variant (Variation ID: 1398835). Invitae Evidence Modeling of protein sequence and biophysical properties (such as structural, functional, and spatial information, amino acid conservation, physicochemical variation, residue mobility, and thermodynamic stability) has been performed for this missense variant. However, the output from this modeling did not meet the statistical confidence thresholds required to predict the impact of this variant on RYR1 protein function. In summary, the available evidence is currently insufficient to determine the role of this variant in disease. Therefore, it has been classified as a Variant of Uncertain Significance.

All of Us Research Program, National Institutes of Health
Classification: Uncertain significance for Malignant hyperthermia, susceptibility to, 1. Last evaluated: 2024-08-06. Review status: criteria provided, single submitter. Criteria: ACMG Guidelines, 2015. Collection method: clinical testing. Allele origin: germline. Inheritance: Autosomal dominant inheritance. Observed: 3 variant alleles, 3 heterozygotes.
Comment: This missense variant replaces threonine with methionine at codon 656 of the RYR1 protein. Computational prediction tool indicates that this variant may have an uncertain impact on protein structure and function. To our knowledge, functional studies have not been reported for this variant. This variant has not been reported in individuals affected with RYR1-related disorders in the literature. This variant has been identified in 2/251136 chromosomes in the general population by the Genome Aggregation Database (gnomAD). The available evidence is insufficient to determine the role of this variant in disease conclusively. Therefore, this variant is classified as a Variant of Uncertain Significance.

This study involves interpretation of variants in research participants for the purpose of population health screening. Participant phenotype was not available at the time of variant classification. Additional details can be found in publication PMID: 35346344, PMCID: PMC8962531

Color Diagnostics, LLC DBA Color Health
Classification: Uncertain significance for Malignant hyperthermia, susceptibility to, 1. Last evaluated: 2023-11-09. Review status: criteria provided, single submitter. Criteria: ACMG Guidelines, 2015. Collection method: clinical testing. Allele origin: germline.
Comment: This missense variant replaces threonine with methionine at codon 656 of the RYR1 protein. Computational prediction tool indicates that this variant may have an uncertain impact on protein structure and function. To our knowledge, functional studies have not been reported for this variant. This variant has not been reported in individuals affected with RYR1-related disorders in the literature. This variant has been identified in 2/251136 chromosomes in the general population by the Genome Aggregation Database (gnomAD). The available evidence is insufficient to determine the role of this variant in disease conclusively. Therefore, this variant is classified as a Variant of Uncertain Significance.

GeneDx
Classification: Uncertain significance. Last evaluated: 2022-12-27. Review status: criteria provided, single submitter. Criteria: GeneDx Variant Classification Process June 2021. Collection method: clinical testing. Allele origin: germline. Affected: yes.
Comment: Not observed at significant frequency in large population cohorts (gnomAD); In silico analysis supports that this missense variant has a deleterious effect on protein structure/function; This variant is associated with the following publications: (PMID: 35207755)

Fulgent Genetics
Classification: Uncertain significance for Central core myopathy; Malignant hyperthermia, susceptibility to, 1; Congenital myopathy 4A, autosomal dominant; Congenital multicore myopathy with external ophthalmoplegia; King Denborough syndrome. Last evaluated: 2021-08-20. Review status: criteria provided, single submitter. Criteria: ACMG Guidelines, 2015. Collection method: clinical testing. Allele origin: unknown.

PreventionGenetics, part of Exact Sciences
Classification: Uncertain significance for RYR1-related condition. Last evaluated: 2024-04-10. Review status: no assertion criteria provided. Collection method: clinical testing. Allele origin: germline. Not counted in ClinVar's aggregate classification.
Comment: The RYR1 c.1967C>T variant is predicted to result in the amino acid substitution p.Thr656Met. To our knowledge, this variant has not been reported in the literature in patients with RYR1-related disorders. This variant is reported in 0.0054% of alleles in individuals of East Asian descent in gnomAD. At this time, the clinical significance of this variant is uncertain due to the absence of conclusive functional and genetic evidence.

NM_000540.3(RYR1):c.1967C>T (p.Thr656Met)

Gene: RYR1 (ryanodine receptor 1; plus strand). Cytogenetic location: 19q13.2.
Variant type: single nucleotide variant.
Coding change: c.1967C>T on transcript NM_000540.3 (MANE Select); coding-DNA position 1967, C replaced by T.
Protein change: p.Thr656Met; replaces threonine 656 with methionine.
Molecular consequence: missense variant.
Genome position (GRCh38, 1-based): chr19:38,458,092, C>T. VCF-style: chr19-38458092-C-T. GRCh37 (hg19) VCF-style: chr19-38948732-C-T.
Other names: c.1967C>T, p.Thr656Met (NM_001042723.2); c.1967C>T (NM_000540.2); short protein forms T656M.
Identifiers: ClinVar variation 1398835 (VCV001398835.14), dbSNP rs4802472, ClinGen allele CA062725.